The following is an entry in ClinVar:

NM_003468.4(FZD5):c.996G>A (p.Trp332Ter)

Gene: FZD5 (frizzled class receptor 5; minus strand). Cytogenetic location: 2q33.3.
Variant type: single nucleotide variant.
Coding change: c.996G>A on transcript NM_003468.4 (MANE Select); coding-DNA position 996, G replaced by A.
Protein change: p.Trp332Ter; replaces tryptophan 332 with a stop codon.
Molecular consequence: nonsense.
Genome position (GRCh38, 1-based): chr2:207,767,744, C>T on the plus strand (G>A on the coding strand, the complement: FZD5 is on the minus strand). VCF-style: chr2-207767744-C-T. GRCh37 (hg19) VCF-style: chr2-208632468-C-T.
Other names: short protein forms W332*.
Identifiers: ClinVar variation 4852194 (VCV004852194.1).
Genomic context (GRCh38, chr2:207,767,744, plus strand): 5'-GGCCTCGTTGCCCCACTTCATGCCGGCGGCCAGGAACCAGGTGAGCGACAGGATGACCCA[C>T]CAGATGGAGCTGGCCATGCCGAAGAAGTAGACCAGGAGGAAGACGATGGTGCACAGTGCA-3'

ClinVar aggregate classification (germline): Likely pathogenic (1 of 4 stars; one submission).

Conditions:
Autosomal dominant FZD5-related disorders.

Submission:

Variantyx, Inc.
Classification: Likely pathogenic for Autosomal dominant FZD5-related disorders. Last evaluated: 2025-07-04. Review status: criteria provided, single submitter. Criteria: Variantyx Assertion Criteria 2022. Collection method: clinical testing. Allele origin: germline. Inheritance: Autosomal dominant inheritance. Affected: yes.
Comment: This is a nonsense variant in the FZD5 gene (OMIM: 601723). Pathogenic variants in this gene have been associated with autosomal dominant FZD5-related disorders. FZD5 is a single coding exon gene,¬†and this variant is expected to result in truncation of the protein, which is a known disease mechanism for FZD5 in these disorders (PMID: 26908622, 32737437, 36695497, 33633439) (PVS1). This variant is absent from control populations (PM2), and it has not been reported in individuals with FZD5-related disorders in the databases available for review. Based on the current evidence, this variant is classified as likely pathogenic for autosomal dominant FZD5-related disorders.

Literature cited by the submitters: PubMed 26908622; PubMed 32737437; PubMed 36695497; PubMed 33633439.